The following is an entry in ClinVar:

ClinVar aggregate classification (germline): Pathogenic (1 of 4 stars; one submission).

Conditions:
Lysinuric protein intolerance (LPI). Identifiers: Orphanet 470, MedGen C0268647, MONDO:0009109, OMIM 222700.

Submission:

Labcorp Genetics (formerly Invitae), Labcorp
Classification: Pathogenic for Lysinuric protein intolerance. Last evaluated: 2018-01-09. Review status: criteria provided, single submitter. Criteria: Invitae Variant Classification Sherloc (09022015). Collection method: clinical testing. Allele origin: germline.
Comment: This variant is a gross deletion of the genomic region encompassing exons 6-11 of the SLC7A7 gene. The 5' boundary is likely confined to intron 5. The 3' end of this event is unknown as it extends through the termination codon beyond the assayed region for this gene and may encompass additional genes. While this deletion is not anticipated to result in nonsense mediated decay, it is expected to create a truncated protein product or disrupt mRNA translation. This deletion has been observed on the opposite chromosome (in trans) from a pathogenic variant in SLC7A7 in an individual affected with lysinuric protein intolerance (LPI) (PMID: 25419514). This finding is consistent with autosomal recessive inheritance, and suggests that this variant contributes to disease. Other truncations (p.Arg468* and p.Arg473*) that lie downstream of this variant have been reported in individuals affected with LPI (PMID: 18846669, 10655553, 28028301). For these reasons, this variant has been classified as Pathogenic.

Literature cited by the submitters: PubMed 18846669; PubMed 10655553; PubMed 25419514; PubMed 28028301.

NC_000014.9:g.(?_22773590)_(22776338_?)del

Gene: SLC7A7 (solute carrier family 7 member 7; minus strand). Cytogenetic location: 14q11.2.
Variant type: Deletion.
Identifiers: ClinVar variation 529506 (VCV000529506.1).